The following is an entry in ClinVar:

ClinVar aggregate classification (germline): Benign. Review status: criteria provided, multiple submitters, no conflicts (2 of 4 stars). 10 submissions from 7 submitters: Benign (10). Last evaluated 2026-02-04.

Conditions:
Familial hypocalciuric hypercalcemia (FHH). Also called: Familial benign hypercalcemia. Identifiers: Orphanet 405, MedGen C1809471, MONDO:0018458.
Autosomal dominant hypocalcemia 1 (HYPOC1). Also called: HYPOCALCEMIA, FAMILIAL. Identifiers: MedGen C3715128, MONDO:0011013, OMIM 601198.
Nephrolithiasis/nephrocalcinosis. Identifiers: MedGen CN580796.
Familial hypocalciuric hypercalcemia 1. Also called: Hypercalcemia, familial benign type 1. Identifiers: Orphanet 405, Orphanet 93372, MedGen C0342637, MONDO:0007791, OMIM 145980.
Neonatal severe primary hyperparathyroidism. Identifiers: Orphanet 417, MedGen C1832615, MONDO:0009397, OMIM 239200.
Familial hypoparathyroidism. Also called: Familial isolated hypoparathyroidism. Identifiers: Orphanet 2238, MedGen C1832648, MONDO:0016390.

Allele frequency attached by ClinVar (database versions not stated): ESP Exome Variant Server 0.00015; gnomAD exomes 0.00095 and 0.00363; gnomAD 0.00128 and 0.00167; TOPMed 0.00166; ExAC 0.00329; 1000 Genomes Project 30x 0.00843; 1000 Genomes Project 0.00938.
gnomAD v4.1: 1,752 of 1,614,178 alleles (0.11%); highest among the groups gnomAD compares: East Asian, 3.1%; 36 homozygotes.

Submissions (10):

Labcorp Genetics (formerly Invitae), Labcorp
Classification: Benign for Familial hypocalciuric hypercalcemia; Autosomal dominant hypocalcemia 1. Last evaluated: 2026-02-04. Review status: criteria provided, single submitter. Criteria: Invitae Variant Classification Sherloc (09022015). Collection method: clinical testing. Allele origin: germline.

Center for Genomic Medicine, Rigshospitalet, Copenhagen University Hospital
Classification: Benign. Last evaluated: 2025-03-04. Review status: criteria provided, single submitter. Criteria: ACMG Guidelines, 2015. Collection method: clinical testing. Allele origin: germline.

ARUP Laboratories, Molecular Genetics and Genomics, ARUP Laboratories
Classification: Benign. Last evaluated: 2022-03-11. Review status: criteria provided, single submitter. Criteria: ARUP Molecular Germline Variant Investigation Process 2021. Collection method: clinical testing. Allele origin: germline.

GeneDx
Classification: Benign. Last evaluated: 2020-02-04. Review status: criteria provided, single submitter. Criteria: GeneDx Variant Classification Process June 2021. Collection method: clinical testing. Allele origin: germline. Affected: yes.
Comment: This variant is associated with the following publications: (PMID: 27157104, 31433865)

Ambry Genetics
Classification: Benign for Nephrolithiasis/nephrocalcinosis. Last evaluated: 2018-12-14. Review status: criteria provided, single submitter. Criteria: Ambry Variant Classification Scheme 2023. Collection method: clinical testing. Allele origin: germline.

Illumina Laboratory Services, Illumina
Classification: Benign for Familial isolated hypoparathyroidism. Last evaluated: 2018-01-12. Review status: criteria provided, single submitter. Criteria: ICSL Variant Classification Criteria 13 December 2019. Collection method: clinical testing. Allele origin: germline.
Comment: This variant was observed in the ICSL laboratory as part of a predisposition screen in an ostensibly healthy population. It had not been previously curated by ICSL or reported in the Human Gene Mutation Database (HGMD: prior to June 1st, 2018), and was therefore a candidate for classification through an automated scoring system. Utilizing variant allele frequency, disease prevalence and penetrance estimates, and inheritance mode, an automated score was calculated to assess if this variant is too frequent to cause the disease. Based on the score and internal cut-off values, a variant classified as benign is not then subjected to further curation. The score for this variant resulted in a classification of benign for this disease.

Illumina Laboratory Services, Illumina
Classification: Benign for Familial hypocalciuric hypercalcemia 1. Last evaluated: 2018-01-12. Review status: criteria provided, single submitter. Criteria: ICSL Variant Classification Criteria 13 December 2019. Collection method: clinical testing. Allele origin: germline.
Comment: the same text as in the submission from Illumina Laboratory Services, Illumina above.

Illumina Laboratory Services, Illumina
Classification: Benign for Autosomal dominant hypocalcemia 1. Last evaluated: 2018-01-12. Review status: criteria provided, single submitter. Criteria: ICSL Variant Classification Criteria 13 December 2019. Collection method: clinical testing. Allele origin: germline.
Comment: the same text as in the submission from Illumina Laboratory Services, Illumina above.

Illumina Laboratory Services, Illumina
Classification: Benign for Neonatal severe primary hyperparathyroidism. Last evaluated: 2018-01-12. Review status: criteria provided, single submitter. Criteria: ICSL Variant Classification Criteria 13 December 2019. Collection method: clinical testing. Allele origin: germline.
Comment: the same text as in the submission from Illumina Laboratory Services, Illumina above.

Athena Diagnostics
Classification: Benign. Last evaluated: 2017-03-29. Review status: criteria provided, single submitter. Criteria: Athena Diagnostics Criteria. Collection method: clinical testing. Allele origin: germline.

Literature cited by the submitters: PubMed 27157104 (cited by Athena Diagnostics).

NM_000388.4(CASR):c.1775A>G (p.Asn592Ser)

Gene: CASR (calcium sensing receptor; plus strand). Cytogenetic location: 3q21.1.
Variant type: single nucleotide variant.
Coding change: c.1775A>G on transcript NM_000388.4 (MANE Select); coding-DNA position 1775, A replaced by G.
Protein change: p.Asn592Ser; replaces asparagine 592 with serine.
Molecular consequence: missense variant.
Genome position (GRCh38, 1-based): chr3:122,283,729, A>G. VCF-style: chr3-122283729-A-G. GRCh37 (hg19) VCF-style: chr3-122002576-A-G.
Other names: c.1805A>G, p.Asn602Ser (NM_001178065.2); short protein forms N592S, N602S.
Identifiers: ClinVar variation 237760 (VCV000237760.58), dbSNP rs117375173, ClinGen allele CA2569742.